The following is an entry in ClinVar:

ClinVar aggregate classification (germline): Conflicting classifications of pathogenicity. Review status: criteria provided, conflicting classifications (1 of 4 stars). 3 submissions from 3 submitters: Uncertain significance (1); Likely benign (2). Last evaluated 2024-05-14.

Conditions:
Cardiovascular phenotype. Identifiers: MedGen CN230736.
Arrhythmogenic right ventricular dysplasia 10. Also called: Arrhythmogenic Right Ventricular Dysplasia/Cardiomyopathy10; ARRHYTHMOGENIC RIGHT VENTRICULAR DYSPLASIA, FAMILIAL, 10; Arrhythmogenic right ventricular dysplasia/cardiomyopathy, type 10. Identifiers: MedGen C1857777, MONDO:0012434, OMIM 610193.
Arrhythmogenic right ventricular cardiomyopathy (ARVD). Also called: Cardiomyopathy, ARVC; Arrhythmogenic right ventricular dysplasia; Arrhythmogenic cardiomyopathy; Arrhythmogenic Right Ventricular Cardiomyopathy (ARVC). Identifiers: Orphanet 247, MedGen C0349788, MeSH D019571, MONDO:0016587. Disease mechanism: loss of function. Inheritance: Various modes of inheritance.

Submissions (3):

All of Us Research Program, National Institutes of Health
Classification: Likely benign for Arrhythmogenic right ventricular cardiomyopathy. Last evaluated: 2024-05-14. Review status: criteria provided, single submitter. Criteria: ACMG Guidelines, 2015. Collection method: clinical testing. Allele origin: germline. Inheritance: Autosomal dominant inheritance. Observed: 2 variant alleles, 2 heterozygotes.
Comment: This study involves interpretation of variants in research participants for the purpose of population health screening. Participant phenotype was not available at the time of variant classification. Additional details can be found in publication PMID: 35346344, PMCID: PMC8962531

Ambry Genetics
Classification: Uncertain significance for Cardiovascular phenotype. Last evaluated: 2024-01-05. Review status: criteria provided, single submitter. Criteria: Ambry Variant Classification Scheme 2023. Collection method: clinical testing. Allele origin: germline.
Comment: The c.691-7_691-3delTCTGC intronic variant, located in intron 6 of the DSG2 gene, results from a deletion of 5 nucleotides within intron 6 of the DSG2 gene. This nucleotide region is not well conserved in available vertebrate species. In silico splice site analysis predicts that this alteration will not have any significant effect on splicing. Since supporting evidence is limited at this time, the clinical significance of this alteration remains unclear.

Labcorp Genetics (formerly Invitae), Labcorp
Classification: Likely benign for Arrhythmogenic right ventricular dysplasia 10. Last evaluated: 2023-03-07. Review status: criteria provided, single submitter. Criteria: Invitae Variant Classification Sherloc (09022015). Collection method: clinical testing. Allele origin: germline.

NM_001943.5(DSG2):c.691-7_691-3del

Gene: DSG2 (desmoglein 2; plus strand). Cytogenetic location: 18q12.1.
Variant type: Deletion.
Coding change: c.691-7_691-3del on transcript NM_001943.5 (MANE Select); 7 bases into the intron before coding-DNA position 691 through 3 bases into the intron before coding-DNA position 691, 5 bases deleted (TCTGC; older notation c.691-7_691-3delTCTGC).
Molecular consequence: intron variant.
Genome position (GRCh38, 1-based): chr18:31,524,441-31,524,445, TCTGC deleted; deleting any 5 consecutive bases within chr18:31,524,438-31,524,445 gives the same sequence; the c. name uses the placement nearest the transcript's 3' end. VCF-style (leftmost placement, unchanged base first): chr18-31524437-TTGCTC-T. GRCh37 (hg19) VCF-style: chr18-29104400-TTGCTC-T.
Other names: c.691-7_691-3delTCTGC (NM_001943.3).
Identifiers: ClinVar variation 1158520 (VCV001158520.11), dbSNP rs757242261, ClinGen allele CA049698.